The following is an entry in ClinVar:

NM_014780.5(CUL7):c.4024-16C>G

Gene: CUL7 (cullin 7; minus strand). Cytogenetic location: 6p21.1.
Variant type: single nucleotide variant.
Coding change: c.4024-16C>G on transcript NM_014780.5 (MANE Select); 16 bases into the intron before coding-DNA position 4024, C replaced by G.
Molecular consequence: intron variant.
Genome position (GRCh38, 1-based): chr6:43,040,442, G>C on the plus strand (C>G on the coding strand, the complement: CUL7 is on the minus strand). VCF-style: chr6-43040442-G-C. GRCh37 (hg19) VCF-style: chr6-43008180-G-C.
Other names: c.4120-16C>G (NM_001168370.2, NM_001374872.1); c.4021-16C>G (NM_001374874.1); c.4024-16C>G (NM_001374873.1).
Identifiers: ClinVar variation 1921468 (VCV001921468.5), dbSNP rs2532600162, ClinGen allele CA2580074622.
Genomic context (GRCh38, chr6:43,040,442, plus strand): 5'-TTCCTTCTCGCTCTTGTGCTCCTTGCCACTGGCCCCAAGGCCCACCTGAAGGAGCACAGG[G>C]TTCCCAGATGCCATGGCCTCCTCCAGTCTGCTCCACGCCCCTCTTCCCCCTACCCTCTTA-3'

ClinVar aggregate classification (germline): Likely pathogenic (1 of 4 stars; one submission).

Submission:

Labcorp Genetics (formerly Invitae), Labcorp
Classification: Likely pathogenic. Last evaluated: 2025-10-13. Review status: criteria provided, single submitter. Criteria: Invitae Variant Classification Sherloc (09022015). Collection method: clinical testing. Allele origin: germline.
Comment: This sequence change falls in intron 21 of the CUL7 gene. It does not directly change the encoded amino acid sequence of the CUL7 protein. This variant is not present in population databases (gnomAD no frequency). This variant has been observed in individual(s) with clinical features of 3-M syndrome (internal data). In at least one individual the data is consistent with being in trans (on the opposite chromosome) from a pathogenic variant. It has also been observed to segregate with disease in related individuals. ClinVar contains an entry for this variant (Variation ID: 1921468). Algorithms developed to predict the effect of sequence changes on RNA splicing suggest that this variant may disrupt the consensus splice site. In summary, the currently available evidence indicates that the variant is pathogenic, but additional data are needed to prove that conclusively. Therefore, this variant has been classified as Likely Pathogenic.